The following is an entry in ClinVar:

ClinVar aggregate classification (germline): Likely benign. Review status: criteria provided, multiple submitters, no conflicts (2 of 4 stars). 2 submissions from 2 submitters: Likely benign (2). Last evaluated 2023-12-22.

Allele frequency attached by ClinVar (database versions not stated): gnomAD exomes 0.00003; gnomAD 0.00005 and 0.00006; ExAC 0.00003.
gnomAD v4.1: 53 of 1,613,198 alleles (0.0033%); highest among the groups gnomAD compares: East Asian, 0.016%; 2 homozygotes.

Submissions (2):

Blueprint Genetics
Classification: Likely benign. Last evaluated: 2023-12-22. Review status: criteria provided, single submitter. Criteria: ACMG Guidelines, 2015. Collection method: clinical testing. Allele origin: germline.

CeGaT Center for Human Genetics Tuebingen
Classification: Likely benign. Last evaluated: 2022-06-01. Review status: criteria provided, single submitter. Criteria: CeGaT Center For Human Genetics Tuebingen Variant Classification Criteria Version 2. Collection method: clinical testing. Allele origin: germline. Affected: yes. Observed: 1 variant allele.
Comment: FLG: BP4, BP7

NM_002016.2(FLG):c.10074T>C (p.His3358=)

Genes: CCDST (cervical cancer associated DHX9 suppressive transcript; plus strand), FLG (filaggrin; minus strand). Cytogenetic location: 1q21.3.
Variant type: single nucleotide variant.
Coding change: c.10074T>C on transcript NM_002016.2 (MANE Select); coding-DNA position 10074, T replaced by C.
Protein change: p.His3358=; no amino-acid change (histidine 3358 retained).
Molecular consequence: synonymous variant.
Genome position (GRCh38, 1-based): chr1:152,304,812, A>G on the plus strand (T>C on the coding strand, the complement: FLG is on the minus strand). VCF-style: chr1-152304812-A-G. GRCh37 (hg19) VCF-style: chr1-152277288-A-G.
Identifiers: ClinVar variation 1694523 (VCV001694523.32), dbSNP rs747747747, ClinGen allele CA1103556.
Genomic context (GRCh38, chr1:152,304,812, plus strand): 5'-TCCCCCTGACCGGTCACGTGCGGACTCTTGGTGGCTCTGCTGATGGGGCCCAGCCTGTCC[A>G]TGGCCTGACACTGACTGTGTGTCTGACTCTTCTGAATGTCCCTCACTATCACTGGCCTGA-3'
Protein context (NP_002007.1, residues 3348-3368): EESDTQSVSG[His3358=]GQAGPHQQSH